The following is an entry in ClinVar:

NM_001130987.2(DYSF):c.5784+199A>G

Gene: DYSF (dysferlin; plus strand). Cytogenetic location: 2p13.2.
Variant type: single nucleotide variant.
Coding change: c.5784+199A>G on transcript NM_001130987.2 (MANE Select); 199 bases into the intron after coding-DNA position 5784, A replaced by G.
Molecular consequence: intron variant.
Genome position (GRCh38, 1-based): chr2:71,669,945, A>G. VCF-style: chr2-71669945-A-G. GRCh37 (hg19) VCF-style: chr2-71897075-A-G.
Other names: c.5760+199A>G (NM_001130979.2); c.5781+199A>G (NM_001130981.2); c.5718+199A>G (NM_001130980.2); c.5730+199A>G (NM_001130978.2); c.5667+199A>G (NM_003494.4); c.5688+199A>G (NM_001130977.2); c.5625+199A>G (NM_001130976.2); c.5763+199A>G (NM_001130982.2); and 5 more.
Identifiers: ClinVar variation 680001 (VCV000680001.1), dbSNP rs3791829, ClinGen allele CA11330028.

ClinVar aggregate classification (germline): Benign (1 of 4 stars; one submission).

Allele frequency attached by ClinVar (database versions not stated): 1000 Genomes Project 0.83227; 1000 Genomes Project 30x 0.83760; TOPMed 0.86907; gnomAD 0.86931 and 0.87069.
gnomAD v4.1: 132,245 of 152,166 alleles (87%); highest among the groups gnomAD compares: Middle Eastern, 92%; 57,645 homozygotes.

Submission:

GeneDx
Classification: Benign. Last evaluated: 2018-06-14. Review status: criteria provided, single submitter. Criteria: GeneDx Variant Classification (06012015). Collection method: clinical testing. Allele origin: germline. Affected: yes.
Comment: This variant is considered likely benign or benign based on one or more of the following criteria: it is a conservative change, it occurs at a poorly conserved position in the protein, it is predicted to be benign by multiple in silico algorithms, and/or has population frequency not consistent with disease.